The following is an entry in ClinVar:

ClinVar aggregate classification (germline): Pathogenic/Likely pathogenic. Review status: criteria provided, multiple submitters, no conflicts (2 of 4 stars). 2 submissions from 2 submitters: Pathogenic (1); Likely pathogenic (1). Last evaluated 2021-02-03.

Conditions:
Very long chain acyl-CoA dehydrogenase deficiency (ACADVLD). Also called: VLCAD Deficiency; Very Long-Chain Acyl-Coenzyme A Dehydrogenase Deficiency. Identifiers: Orphanet 26793, MedGen C3887523, MONDO:0008723, OMIM 201475.

Submissions (2):

Labcorp Genetics (formerly Invitae), Labcorp
Classification: Pathogenic for Very long chain acyl-CoA dehydrogenase deficiency. Last evaluated: 2021-02-03. Review status: criteria provided, single submitter. Criteria: Invitae Variant Classification Sherloc (09022015). Collection method: clinical testing. Allele origin: germline.
Comment: This variant is not present in population databases (ExAC no frequency). This variant has not been reported in the literature in individuals with ACADVL-related conditions. For these reasons, this variant has been classified as Pathogenic. This sequence change creates a premature translational stop signal (p.Phe214Valfs*2) in the ACADVL gene. It is expected to result in an absent or disrupted protein product. Loss-of-function variants in ACADVL are known to be pathogenic (PMID: 9973285, 11590124).

Breakthrough Genomics
Classification: Likely pathogenic for Very long chain acyl-CoA dehydrogenase deficiency. Last evaluated: 2021-01-23. Review status: criteria provided, single submitter. Criteria: ACMG Guidelines, 2015. Collection method: clinical testing. Allele origin: germline. Affected: yes.
Comment: This variant is predicted to cause a frameshift and consequent premature termination of the protein (p. Phe214ValfsTer2) and the resultant protein will likely to lack catalytic, substrate binding and membrane-anchoring regions [UniProt] of the protein; this will likely result in loss-of-function. Due to the introduction of a premature stop codon, this aberrant transcript will likely be targeted by the nonsense-mediated mRNA decay (NMD) mechanism [PMID: 15040442]. The variant seems to be a novel variant, as it has not been previously reported in population databases or in the literature. However in the ClinVar database, several other truncating variants lying downstream of the identified variant have been previously reported as ‘pathogenic’ in the context of very long chain acyl-CoA dehydrogenase deficiency.

Literature cited by the submitters: PubMed 9973285 (cited by Labcorp Genetics (formerly Invitae), Labcorp); PubMed 11590124 (cited by Labcorp Genetics (formerly Invitae), Labcorp).

NM_000018.4(ACADVL):c.640_643del (p.Phe214fs)

Gene: ACADVL (acyl-CoA dehydrogenase very long chain; plus strand). Cytogenetic location: 17p13.1.
Variant type: Deletion.
Coding change: c.640_643del on transcript NM_000018.4 (MANE Select); coding-DNA positions 640 to 643, 4 bases deleted (TTCT; older notation c.640_643delTTCT).
Protein change: p.Phe214fs; shifts the reading frame from phenylalanine 214.
Molecular consequence: frameshift variant.
Genome position (GRCh38, 1-based): chr17:7,221,969-7,221,972, TTCT deleted; deleting any 4 consecutive bases within chr17:7,221,967-7,221,972 gives the same sequence; the c. name uses the placement nearest the transcript's 3' end. VCF-style (leftmost placement, unchanged base first): chr17-7221966-GCTTT-G. GRCh37 (hg19) VCF-style: chr17-7125285-GCTTT-G.
Other names: p.Phe214ValfsTer2; c.574_577del, p.Phe192fs (NM_001033859.3); c.709_712del, p.Phe237fs (NM_001270447.2); c.412_415del, p.Phe138fs (NM_001270448.2); c.640_643del (NM_000018.3); short protein forms F138fs, F237fs, F192fs, F214fs.
Identifiers: ClinVar variation 1414097 (VCV001414097.8), dbSNP rs2142976616, ClinGen allele CA2573154549.